The following is an entry in ClinVar:

ClinVar aggregate classification (germline): Uncertain significance (1 of 4 stars; one submission).

Conditions:
Inborn genetic diseases. Identifiers: MedGen C0950123, MeSH D030342.

Allele frequency attached by ClinVar (database versions not stated): gnomAD 0.00001; TOPMed 0.00001.
gnomAD v4.1: 6 of 1,569,680 alleles (0.00038%); highest among the groups gnomAD compares: South Asian, 0.0012%; no homozygotes.

Submission:

Ambry Genetics
Classification: Uncertain significance for Inborn genetic diseases. Last evaluated: 2021-07-21. Review status: criteria provided, single submitter. Criteria: Ambry Variant Classification Scheme 2023. Collection method: clinical testing. Allele origin: germline.
Comment: The p.L250V variant (also known as c.748C>G), located in coding exon 6 of the DST gene, results from a C to G substitution at nucleotide position 748. The leucine at codon 250 is replaced by valine, an amino acid with highly similar properties. This amino acid position is highly conserved in available vertebrate species. In addition, this alteration is predicted to be deleterious by in silico analysis. Since supporting evidence is limited at this time, the clinical significance of this alteration remains unclear.

NM_001374736.1(DST):c.748C>G (p.Leu250Val)

Gene: DST (dystonin; minus strand). Cytogenetic location: 6p12.1.
Variant type: single nucleotide variant.
Coding change: c.748C>G on transcript NM_001374736.1 (MANE Select); coding-DNA position 748, C replaced by G.
Protein change: p.Leu250Val; replaces leucine 250 with valine.
Molecular consequence: missense variant.
Genome position (GRCh38, 1-based): chr6:56,704,309, G>C on the plus strand (C>G on the coding strand, the complement: DST is on the minus strand). VCF-style: chr6-56704309-G-C. GRCh37 (hg19) VCF-style: chr6-56569107-G-C.
Other names: c.748C>G, p.Leu250Val (NM_001144769.5, NM_001374722.1); c.334C>G, p.Leu112Val (NM_001144770.2); c.214C>G, p.Leu72Val (NM_001374729.1, NM_001374730.1, NM_001386100.1 and 1 more transcripts); c.775C>G, p.Leu259Val (NM_001374734.1); short protein forms L112V, L259V, L72V, L250V.
Identifiers: ClinVar variation 1759144 (VCV001759144.2), dbSNP rs1226031046, ClinGen allele CA364618168.